The following is an entry in ClinVar:

ClinVar aggregate classification (germline): Uncertain significance (1 of 4 stars; one submission).

Submission:

Labcorp Genetics (formerly Invitae), Labcorp
Classification: Uncertain significance. Last evaluated: 2023-11-21. Review status: criteria provided, single submitter. Criteria: Invitae Variant Classification Sherloc (09022015). Collection method: clinical testing. Allele origin: germline.
Comment: This sequence change replaces phenylalanine, which is neutral and non-polar, with leucine, which is neutral and non-polar, at codon 440 of the FZD4 protein (p.Phe440Leu). This variant is not present in population databases (gnomAD no frequency). This variant has not been reported in the literature in individuals affected with FZD4-related conditions. Advanced modeling of protein sequence and biophysical properties (such as structural, functional, and spatial information, amino acid conservation, physicochemical variation, residue mobility, and thermodynamic stability) performed at Invitae indicates that this missense variant is not expected to disrupt FZD4 protein function with a negative predictive value of 80%. In summary, the available evidence is currently insufficient to determine the role of this variant in disease. Therefore, it has been classified as a Variant of Uncertain Significance.

NM_012193.4(FZD4):c.1320C>G (p.Phe440Leu)

Genes: FZD4 (frizzled class receptor 4; minus strand), PRSS23 (serine protease 23; plus strand). Cytogenetic location: 11q14.2.
Variant type: single nucleotide variant.
Coding change: c.1320C>G on transcript NM_012193.4 (MANE Select); coding-DNA position 1320, C replaced by G.
Protein change: p.Phe440Leu; replaces phenylalanine 440 with leucine.
Molecular consequence: missense variant. On other transcripts: non-coding transcript variant (2).
Genome position (GRCh38, 1-based): chr11:86,951,436, G>C on the plus strand (C>G on the coding strand, the complement: FZD4 is on the minus strand). VCF-style: chr11-86951436-G-C. GRCh37 (hg19) VCF-style: chr11-86662478-G-C.
Other names: short protein forms F440L.
Identifiers: ClinVar variation 3005293 (VCV003005293.3), dbSNP rs371867662, ClinGen allele CA382011766.